The following is an entry in ClinVar:

ClinVar aggregate classification (germline): Uncertain significance (1 of 4 stars; one submission).

Conditions:
Tuberous sclerosis 2 (TSC2). Identifiers: Orphanet 805, MedGen C1860707, MONDO:0013199, OMIM 613254.

Submission:

Labcorp Genetics (formerly Invitae), Labcorp
Classification: Uncertain significance for Tuberous sclerosis 2. Last evaluated: 2025-10-13. Review status: criteria provided, single submitter. Criteria: Invitae Variant Classification Sherloc (09022015). Collection method: clinical testing. Allele origin: germline.
Comment: This sequence change falls in intron 27 of the TSC2 gene. It does not directly change the encoded amino acid sequence of the TSC2 protein. This variant is not present in population databases (gnomAD no frequency). This variant has not been reported in the literature in individuals affected with TSC2-related conditions. Algorithms developed to predict the effect of sequence changes on RNA splicing suggest that this variant may disrupt the consensus splice site. In summary, the available evidence is currently insufficient to determine the role of this variant in disease. Therefore, it has been classified as a Variant of Uncertain Significance.

NM_000548.5(TSC2):c.3131+20G>T

Gene: TSC2 (TSC complex subunit 2; plus strand). Cytogenetic location: 16p13.3.
Variant type: single nucleotide variant.
Coding change: c.3131+20G>T on transcript NM_000548.5 (MANE Select); 20 bases into the intron after coding-DNA position 3131, G replaced by T.
Molecular consequence: intron variant.
Genome position (GRCh38, 1-based): chr16:2,079,216, G>T. VCF-style: chr16-2079216-G-T. GRCh37 (hg19) VCF-style: chr16-2129217-G-T.
Other names: c.1658+20G>T (NM_001406693.1, NM_001406690.1, NM_001406692.1 and 1 more transcripts); c.3092+20G>T (NM_001406667.1); c.3089+20G>T (NM_001406668.1); c.2531+20G>T (NM_001406680.1, NM_001406683.1, NM_001406682.1); c.2399+20G>T (NM_001406687.1, NM_001318831.2, NM_001406688.1); c.1787+20G>T (NM_001406689.1); c.1655+20G>T (NM_001406691.1, NM_001406697.1, NM_001406695.1 and 1 more transcripts); c.1397+20G>T (NM_001406698.1); and 18 more.
Identifiers: ClinVar variation 4729090 (VCV004729090.1).